The following is an entry in ClinVar:

ClinVar aggregate classification (germline): Uncertain significance. Review status: criteria provided, multiple submitters, no conflicts (2 of 4 stars). 2 submissions from 2 submitters: Uncertain significance (2). Last evaluated 2025-12-02.

Conditions:
Methylmalonic aciduria due to methylmalonyl-CoA mutase deficiency (MAMM). Also called: Methylmalonic aciduria, mut type. Identifiers: Orphanet 27, MedGen C1855114, MONDO:0009612, OMIM 251000.

Allele frequency attached by ClinVar (database versions not stated): ExAC 0.00001.

Submissions (2):

3billion
Classification: Uncertain significance for Methylmalonic aciduria due to methylmalonyl-CoA mutase deficiency. Last evaluated: 2025-12-02. Review status: criteria provided, single submitter. Criteria: ACMG Guidelines, 2015. Collection method: clinical testing. Allele origin: germline. Affected: yes.
Comment: The variant is not observed in the gnomAD v4.1.0 dataset. Predicted Consequence/Location: Missense variant In silico tool predictions suggest damaging effect of the variant on gene or gene product [REVEL: 0.90 (>=0.6, sensitivity 0.68 and specificity 0.92); 3Cnet: 0.91 (> 0.75, sensitivity 0.96 and precision 0.92)]. A different missense change at the same codon (p.Tyr248Asn) has been reported to be associated with MMUT-related disorder (PMID: 34668645). However the evidence of pathogenicity is insufficient at this time. Therefore, this variant is classified as VUS according to the recommendation of ACMG/AMP guideline.

GeneDx
Classification: Uncertain significance. Last evaluated: 2017-03-06. Review status: criteria provided, single submitter. Criteria: GeneDx Variant Classification (06012015). Collection method: clinical testing. Allele origin: germline. Affected: yes.
Comment: A variant of uncertain significance has been identified in the MUT gene. The Y248C variant has not been publishedas a pathogenic variant, nor has it been reported as a benign variant to our knowledge. The Y248C variant is notobserved at a significant frequency in large population cohorts (Lek et al., 2016; 1000 Genomes Consortium et al.,2015; Exome Variant Server). The Y248C variant is a non-conservative amino acid substitution, which is likely toimpact secondary protein structure as these residues differ in polarity, charge, size and/or other properties. Thissubstitution occurs at a position that is conserved across species. In silico analysis predicts this variant is probablydamaging to the protein structure/function. Therefore, based on the currently available information, it is unclearwhether this variant is a pathogenic variant or a rare benign variant.

Literature cited by the submitters: PubMed 34668645 (cited by 3billion).

NM_000255.4(MMUT):c.743A>G (p.Tyr248Cys)

Gene: MMUT (methylmalonyl-CoA mutase; minus strand). Cytogenetic location: 6p12.3.
Variant type: single nucleotide variant.
Coding change: c.743A>G on transcript NM_000255.4 (MANE Select); coding-DNA position 743, A replaced by G.
Protein change: p.Tyr248Cys; replaces tyrosine 248 with cysteine.
Molecular consequence: missense variant.
Genome position (GRCh38, 1-based): chr6:49,457,701, T>C on the plus strand (A>G on the coding strand, the complement: MMUT is on the minus strand). VCF-style: chr6-49457701-T-C. GRCh37 (hg19) VCF-style: chr6-49425414-T-C.
Other names: short protein forms Y248C.
Identifiers: ClinVar variation 423966 (VCV000423966.3), dbSNP rs757594175, ClinGen allele CA3847059.